The following is an entry in ClinVar:

NM_006009.4(TUBA1A):c.733G>A (p.Asp245Asn)

Gene: TUBA1A (tubulin alpha 1a; minus strand). Cytogenetic location: 12q13.12.
Variant type: single nucleotide variant.
Coding change: c.733G>A on transcript NM_006009.4 (MANE Select); coding-DNA position 733, G replaced by A.
Protein change: p.Asp245Asn; replaces aspartic acid 245 with asparagine.
Molecular consequence: missense variant.
Genome position (GRCh38, 1-based): chr12:49,185,633, C>T on the plus strand (G>A on the coding strand, the complement: TUBA1A is on the minus strand). VCF-style: chr12-49185633-C-T. GRCh37 (hg19) VCF-style: chr12-49579416-C-T.
Other names: c.733G>A, p.Asp245Asn (NM_001270399.2); c.628G>A, p.Asp210Asn (NM_001270400.2); short protein forms D245N, D210N.
Identifiers: ClinVar variation 450468 (VCV000450468.2), dbSNP rs1555162357, ClinGen allele CA384640238.
Genomic context (GRCh38, chr12:49,185,633, plus strand): 5'-TGCGGGGATAGGGCACCAGGTTGGTCTGGAATTCTGTCAGGTCAACATTCAGGGCTCCAT[C>T]AAATCTCAGGGAAGCAGTGATGGAGGACACAATTTGACCTATTAACCTATTCAGGTTAGT-3'
Protein context (NP_006000.2, residues 235-255): VSSITASLRF[Asp245Asn]GALNVDLTEF

ClinVar aggregate classification (germline): Uncertain significance (1 of 4 stars; one submission).

Submission:

GeneDx
Classification: Uncertain significance. Last evaluated: 2017-07-10. Review status: criteria provided, single submitter. Criteria: GeneDx Variant Classification (06012015). Collection method: clinical testing. Allele origin: germline. Affected: yes.
Comment: The D245N variant has not been published as a pathogenic variant, nor has it been reported as a benign variant to our knowledge. The D245N variant is not observed in large population cohorts (Lek et al., 2016; 1000 Genomes Consortium et al., 2015; Exome Variant Server). The D245N variant is a semi-conservative amino acid substitution, which may impact secondary protein structure as these residues differ in some properties. This substitution occurs at a position that is conserved across species, and in silico analysis predicts this variant is probably damaging to the protein structure/function. However, missense variants in nearby residues have not been reported in the Human Gene Mutation Database in association with TUBA1A-related disorders (Stenson et al., 2014). Therefore, based on the currently available information, it is unclear whether this variant is a pathogenic variant or a rare benign variant.